The following is an entry in ClinVar:

NM_006227.4(PLTP):c.982C>T (p.Arg328Trp)

Gene: PLTP (phospholipid transfer protein; minus strand). Cytogenetic location: 20q13.12.
Variant type: single nucleotide variant.
Coding change: c.982C>T on transcript NM_006227.4 (MANE Select); coding-DNA position 982, C replaced by T.
Protein change: p.Arg328Trp; replaces arginine 328 with tryptophan.
Molecular consequence: missense variant.
Genome position (GRCh38, 1-based): chr20:45,902,565, G>A on the plus strand (C>T on the coding strand, the complement: PLTP is on the minus strand). VCF-style: chr20-45902565-G-A. GRCh37 (hg19) VCF-style: chr20-44531204-G-A.
Other names: c.697C>T, p.Arg233Trp (NM_001242920.2); c.718C>T, p.Arg240Trp (NM_001242921.1); c.826C>T, p.Arg276Trp (NM_182676.3); short protein forms R233W, R240W, R276W, R328W.
Identifiers: ClinVar variation 4695811 (VCV004695811.1).

ClinVar aggregate classification (germline): Uncertain significance (1 of 4 stars; one submission).

gnomAD v4.1: 58 of 1,613,478 alleles (0.0036%); highest among the groups gnomAD compares: African/African-American, 0.011%; no homozygotes.

Submission:

Labcorp Genetics (formerly Invitae), Labcorp
Classification: Uncertain significance. Last evaluated: 2025-08-13. Review status: criteria provided, single submitter. Criteria: Invitae Variant Classification Sherloc (09022015). Collection method: clinical testing. Allele origin: germline.
Comment: This sequence change replaces arginine, which is basic and polar, with tryptophan, which is neutral and slightly polar, at codon 328 of the PLTP protein (p.Arg328Trp). This variant is present in population databases (rs113851040, gnomAD 0.005%). This variant has not been reported in the literature in individuals affected with PLTP-related conditions. An algorithm developed to predict the effect of missense changes on protein structure and function (PolyPhen-2) suggests that this variant is likely to be disruptive. In summary, the available evidence is currently insufficient to determine the role of this variant in disease. Therefore, it has been classified as a Variant of Uncertain Significance.